The following is an entry in ClinVar:

ClinVar aggregate classification (germline): Uncertain significance. Review status: criteria provided, multiple submitters, no conflicts (2 of 4 stars). 2 submissions from 2 submitters: Uncertain significance (2). Last evaluated 2025-10-14.

Allele frequency attached by ClinVar (database versions not stated): gnomAD exomes below 0.00001; gnomAD 0.00001; TOPMed 0.00002; ExAC 0.00003.
gnomAD v4.1: 7 of 1,613,670 alleles (0.00043%); highest among the groups gnomAD compares: East Asian, 0.016%; no homozygotes.

Submissions (2):

Labcorp Genetics (formerly Invitae), Labcorp
Classification: Uncertain significance. Last evaluated: 2025-10-14. Review status: criteria provided, single submitter. Criteria: Invitae Variant Classification Sherloc (09022015). Collection method: clinical testing. Allele origin: germline.
Comment: This sequence change replaces glutamine, which is neutral and polar, with histidine, which is basic and polar, at codon 1700 of the FBN3 protein (p.Gln1700His). This variant is present in population databases (rs759550887, gnomAD 0.03%). This variant has not been reported in the literature in individuals affected with FBN3-related conditions. ClinVar contains an entry for this variant (Variation ID: 2533628). Invitae Evidence Modeling of protein sequence and biophysical properties (such as structural, functional, and spatial information, amino acid conservation, physicochemical variation, residue mobility, and thermodynamic stability) indicates that this missense variant is not expected to disrupt FBN3 protein function with a negative predictive value of 80%. In summary, the available evidence is currently insufficient to determine the role of this variant in disease. Therefore, it has been classified as a Variant of Uncertain Significance.

Ambry Genetics
Classification: Uncertain significance. Last evaluated: 2023-04-05. Review status: criteria provided, single submitter. Criteria: Ambry Variant Classification Scheme 2023. Collection method: clinical testing. Allele origin: germline.

NM_032447.5(FBN3):c.5100G>C (p.Gln1700His)

Gene: FBN3 (fibrillin 3; minus strand). Cytogenetic location: 19p13.2.
Variant type: single nucleotide variant.
Coding change: c.5100G>C on transcript NM_032447.5 (MANE Select); coding-DNA position 5100, G replaced by C.
Protein change: p.Gln1700His; replaces glutamine 1700 with histidine.
Molecular consequence: missense variant.
Genome position (GRCh38, 1-based): chr19:8,100,962, C>G on the plus strand (G>C on the coding strand, the complement: FBN3 is on the minus strand). VCF-style: chr19-8100962-C-G. GRCh37 (hg19) VCF-style: chr19-8165846-C-G.
Other names: c.5100G>C, p.Gln1700His (NM_001321431.2); short protein forms Q1700H.
Identifiers: ClinVar variation 2533628 (VCV002533628.3), dbSNP rs759550887, ClinGen allele CA9151790.
Genomic context (GRCh38, chr19:8,100,962, plus strand): 5'-AAGGGGCTTCCCCGTGTGGATGTCAGTGAGGAATCCCGGGGCCTGATTTCCACACAGGAT[C>G]TGGTAGTCAGCTGCGCAAAGGGGAACAAAGCTGAGTCTGGGGCTGCAGGCCTGACCCCAG-3'
Protein context (NP_115823.3, residues 1690-1710): ACPTPISPDY[Gln1700His]ILCGNQAPGF